The following is an entry in ClinVar:

NM_001111125.3(IQSEC2):c.2617C>T (p.Arg873Cys)

Gene: IQSEC2 (IQ motif and Sec7 domain ArfGEF 2; minus strand). Cytogenetic location: Xp11.22.
Variant type: single nucleotide variant.
Coding change: c.2617C>T on transcript NM_001111125.3 (MANE Select); coding-DNA position 2617, C replaced by T.
Protein change: p.Arg873Cys; replaces arginine 873 with cysteine.
Molecular consequence: missense variant.
Genome position (GRCh38, 1-based): chrX:53,247,101, G>A on the plus strand (C>T on the coding strand, the complement: IQSEC2 is on the minus strand). VCF-style: chrX-53247101-G-A. GRCh37 (hg19) VCF-style: chrX-53276283-G-A.
Other names: c.2617C>T, p.Arg873Cys (NM_001410736.1); c.2002C>T, p.Arg668Cys (NM_015075.2); short protein forms R668C, R873C.
Identifiers: ClinVar variation 3365880 (VCV003365880.3).

ClinVar aggregate classification (germline): Uncertain significance (1 of 4 stars; one submission).

Submission:

GeneDx
Classification: Uncertain significance. Last evaluated: 2026-09-24. Review status: criteria provided, single submitter. Criteria: GeneDx Variant Classification Process June 2021. Collection method: clinical testing. Allele origin: germline.
Comment: In silico analysis supports that this missense variant has a deleterious effect on protein structure/function; Has not been previously published as pathogenic or benign to our knowledge; This variant is associated with the following publications: (PMID: 20473311)